The following is an entry in ClinVar:

NM_001277115.2(DNAH11):c.9815A>G (p.Asn3272Ser)

Gene: DNAH11 (dynein axonemal heavy chain 11; plus strand). Cytogenetic location: 7p15.3.
Variant type: single nucleotide variant.
Coding change: c.9815A>G on transcript NM_001277115.2 (MANE Select); coding-DNA position 9815, A replaced by G.
Protein change: p.Asn3272Ser; replaces asparagine 3272 with serine.
Molecular consequence: missense variant.
Genome position (GRCh38, 1-based): chr7:21,787,474, A>G. VCF-style: chr7-21787474-A-G. GRCh37 (hg19) VCF-style: chr7-21827092-A-G.
Other names: short protein forms N3272S.
Identifiers: ClinVar variation 525432 (VCV000525432.9), dbSNP rs1554281016, ClinGen allele CA366941474.

ClinVar aggregate classification (germline): Uncertain significance. Review status: criteria provided, single submitter (1 of 4 stars). 2 submissions from 2 submitters: Uncertain significance (1). 1 of the submissions does not count toward it. Last evaluated 2017-08-23.

Conditions:
Primary ciliary dyskinesia. Also called: Ciliary dyskinesia. Identifiers: Orphanet 244, MedGen C0008780, MONDO:0016575, HP:0012265.
DNAH11-related disorder. Also called: DNAH11-related condition.

Allele frequency attached by ClinVar (database versions not stated): gnomAD exomes below 0.00001.
gnomAD v4.1: 1 of 1,613,830 alleles (0.000062%); highest among the groups gnomAD compares: South Asian, 0.0011%; no homozygotes.

Submissions (2):

Labcorp Genetics (formerly Invitae), Labcorp
Classification: Uncertain significance for Primary ciliary dyskinesia. Last evaluated: 2017-08-23. Review status: criteria provided, single submitter. Criteria: Invitae Variant Classification Sherloc (09022015). Collection method: clinical testing. Allele origin: germline.
Comment: In summary, the available evidence is currently insufficient to determine the role of this variant in disease. Therefore, it has been classified as a Variant of Uncertain Significance. Algorithms developed to predict the effect of sequence changes on RNA splicing suggest that this variant may create or strengthen a splice site, but this prediction has not been confirmed by published transcriptional studies. Algorithms developed to predict the effect of missense changes on protein structure and function (SIFT, PolyPhen-2, Align-GVGD) all suggest that this variant is likely to be tolerated, but these predictions have not been confirmed by published functional studies and their clinical significance is uncertain. This variant has not been reported in the literature in individuals with DNAH11-related disease. This variant is not present in population databases (ExAC no frequency). This sequence change replaces asparagine with serine at codon 3272 of the DNAH11 protein (p.Asn3272Ser). The asparagine residue is moderately conserved and there is a small physicochemical difference between asparagine and serine.

PreventionGenetics, part of Exact Sciences
Classification: Uncertain significance for DNAH11-related condition. Last evaluated: 2023-12-15. Review status: no assertion criteria provided. Collection method: clinical testing. Allele origin: germline. Not counted in ClinVar's aggregate classification.
Comment: The DNAH11 c.9815A>G variant is predicted to result in the amino acid substitution p.Asn3272Ser. This variant has been reported together with second DNAH11 variant in an individual with suspected Primary Ciliary Dyskinesia (Table 1, Staar et al. 2023. PubMed ID: 37998386). This variant has not bee reported in a large population database, indicating this variant is rare. At this time, the clinical significance of this variant is uncertain due to the absence of conclusive functional and genetic evidence.